The following is an entry in ClinVar:

NM_000081.4(LYST):c.8657T>C (p.Ile2886Thr)

Gene: LYST (lysosomal trafficking regulator; minus strand). Cytogenetic location: 1q42.3.
Variant type: single nucleotide variant.
Coding change: c.8657T>C on transcript NM_000081.4 (MANE Select); coding-DNA position 8657, T replaced by C.
Protein change: p.Ile2886Thr; replaces isoleucine 2886 with threonine.
Molecular consequence: missense variant.
Genome position (GRCh38, 1-based): chr1:235,733,647, A>G on the plus strand (T>C on the coding strand, the complement: LYST is on the minus strand). VCF-style: chr1-235733647-A-G. GRCh37 (hg19) VCF-style: chr1-235896947-A-G.
Other names: c.8657T>C, p.Ile2886Thr (NM_001301365.1); short protein forms I2886T.
Identifiers: ClinVar variation 525159 (VCV000525159.7), dbSNP rs146215689, ClinGen allele CA1465786.

ClinVar aggregate classification (germline): Conflicting classifications of pathogenicity. Review status: criteria provided, conflicting classifications (1 of 4 stars). 4 submissions from 4 submitters: Uncertain significance (2); Likely benign (1). 1 of the submissions does not count toward it. Last evaluated 2026-02-02.

Conditions:
LYST-related disorder. Also called: LYST-related condition.
Chédiak-Higashi syndrome (CHS). Also called: Chediak-Higashi Syndrome. Identifiers: Orphanet 167, MedGen C0007965, MONDO:0008963, OMIM 214500.

Allele frequency attached by ClinVar (database versions not stated): gnomAD exomes 0.00003; ExAC 0.00017; 1000 Genomes Project 0.00040; gnomAD 0.00046; 1000 Genomes Project 30x 0.00047; TOPMed 0.00050; ESP Exome Variant Server 0.00054.
gnomAD v4.1: 122 of 1,613,684 alleles (0.0076%); highest among the groups gnomAD compares: African/African-American, 0.15%; no homozygotes.

Submissions (4):

Women's Health and Genetics/Laboratory Corporation of America, LabCorp
Classification: Likely benign. Last evaluated: 2026-02-02. Review status: criteria provided, single submitter. Criteria: LabCorp Variant Classification Summary - May 2015. Collection method: clinical testing. Allele origin: germline.
Comment: Variant summary: LYST c.8657T>C (p.Ile2886Thr) results in a non-conservative amino acid change in the encoded protein sequence. Algorithms developed to predict the effect of missense changes on protein structure and function are either unavailable or do not agree on the potential impact of this missense change. The variant allele was found at a frequency of 0.00013 in 251118 control chromosomes, predominantly at a frequency of 0.0018 within the African or African-American subpopulation in the gnomAD database. The observed variant frequency within African or African-American control individuals in the gnomAD database exceeds the estimated maximal expected allele frequency for disease-causing variants in LYST. To our knowledge, no occurrence of c.8657T>C in individuals affected with LYST-related conditions and no experimental evidence demonstrating its impact on protein function have been reported. ClinVar contains an entry for this variant (Variation ID: 525159). Based on the evidence outlined above, the variant was classified as likely benign.

Labcorp Genetics (formerly Invitae), Labcorp
Classification: Uncertain significance for Chédiak-Higashi syndrome. Last evaluated: 2022-08-23. Review status: criteria provided, single submitter. Criteria: Invitae Variant Classification Sherloc (09022015). Collection method: clinical testing. Allele origin: germline.
Comment: This sequence change replaces isoleucine, which is neutral and non-polar, with threonine, which is neutral and polar, at codon 2886 of the LYST protein (p.Ile2886Thr). This variant is present in population databases (rs146215689, gnomAD 0.2%). This variant has not been reported in the literature in individuals affected with LYST-related conditions. ClinVar contains an entry for this variant (Variation ID: 525159). Algorithms developed to predict the effect of missense changes on protein structure and function (SIFT, PolyPhen-2, Align-GVGD) all suggest that this variant is likely to be tolerated. Algorithms developed to predict the effect of sequence changes on RNA splicing suggest that this variant may create or strengthen a splice site. In summary, the available evidence is currently insufficient to determine the role of this variant in disease. Therefore, it has been classified as a Variant of Uncertain Significance.

Baylor Genetics
Classification: Uncertain significance for Chédiak-Higashi syndrome. Last evaluated: 2019-08-30. Review status: criteria provided, single submitter. Criteria: ACMG Guidelines, 2015. Collection method: clinical testing. Allele origin: unknown. Affected: yes.
Comment: This variant was determined to be of uncertain significance according to ACMG Guidelines, 2015 [PMID:25741868].

PreventionGenetics, part of Exact Sciences
Classification: Likely benign for LYST-related condition. Last evaluated: 2022-08-25. Review status: no assertion criteria provided. Collection method: clinical testing. Allele origin: germline. Not counted in ClinVar's aggregate classification.
Comment: This variant is classified as likely benign based on ACMG/AMP sequence variant interpretation guidelines (Richards et al. 2015 PMID: 25741868, with internal and published modifications).